The following is an entry in ClinVar:

NM_058216.3(RAD51C):c.158del (p.Ser53fs)

Gene: RAD51C (RAD51 paralog C; plus strand). Cytogenetic location: 17q22.
Variant type: Deletion.
Coding change: c.158del on transcript NM_058216.3 (MANE Select); coding-DNA position 158, one base deleted (C; older notation c.158delC).
Protein change: p.Ser53fs; shifts the reading frame from serine 53.
Molecular consequence: frameshift variant. On other transcripts: non-coding transcript variant (2).
Genome position (GRCh38, 1-based): chr17:58,694,943, C deleted. VCF-style (leftmost placement, unchanged base first): chr17-58694942-TC-T. GRCh37 (hg19) VCF-style: chr17-56772303-TC-T.
Other names: c.158del, p.Ser53fs (NM_002876.4); short protein forms S53fs.
Identifiers: ClinVar variation 142544 (VCV000142544.11), dbSNP rs587782533, ClinGen allele CA168674.
Genomic context (GRCh38, chr17:58,694,942, plus strand): 5'-CTTTTAAATCTCTAAAATTAGGGTTCTTTTTTTCTTATTTTACTTTCAGAAGTTGGGATA[TC>T]TAAAGCAGAAGCCTTAGAAACTCTGCAAATTATCAGAAGAGAATGTCTCACAAATAAACC-3'

ClinVar aggregate classification (germline): Pathogenic. Review status: criteria provided, multiple submitters, no conflicts (2 of 4 stars). 2 submissions from 2 submitters: Pathogenic (2). Last evaluated 2021-03-21.

Conditions:
Hereditary cancer-predisposing syndrome. Also called: Neoplastic Syndromes, Hereditary; Hereditary Cancer Syndrome; Hereditary neoplastic syndrome; Tumor predisposition. Identifiers: Orphanet 140162, MedGen C0027672, MeSH D009386, MONDO:0015356.
Fanconi anemia complementation group O. Also called: RAD51C-Related Fanconi Anemia. Identifiers: Orphanet 84, MedGen C3150653, MONDO:0013248, OMIM 613390.

Allele frequency attached by ClinVar (database versions not stated): gnomAD exomes below 0.00001.

Submissions (2):

Labcorp Genetics (formerly Invitae), Labcorp
Classification: Pathogenic for Fanconi anemia complementation group O. Last evaluated: 2021-03-21. Review status: criteria provided, single submitter. Criteria: Invitae Variant Classification Sherloc (09022015). Collection method: clinical testing. Allele origin: germline.
Comment: For these reasons, this variant has been classified as Pathogenic. This variant has been observed in individual(s) with a family history of ovarian cancer (PMID: 26261251). ClinVar contains an entry for this variant (Variation ID: 142544). This variant is not present in population databases (ExAC no frequency). This sequence change creates a premature translational stop signal (p.Ser53Leufs*6) in the RAD51C gene. It is expected to result in an absent or disrupted protein product. Loss-of-function variants in RAD51C are known to be pathogenic (PMID: 20400964, 21990120, 24800917).

Ambry Genetics
Classification: Pathogenic for Hereditary cancer-predisposing syndrome. Last evaluated: 2013-05-21. Review status: criteria provided, single submitter. Criteria: Ambry Autosomal Dominant and X-Linked criteria (10/2015). Collection method: clinical testing. Allele origin: germline. Observed: 1 variant allele.
Comment: This alteration is expected to result in loss of function by premature protein truncation or nonsense-mediatedâ€¯mRNAâ€¯decay.â€¯As such, this alteration is interpreted as a disease-causing mutation.

Literature cited by the submitters: PubMed 26261251 (cited by Labcorp Genetics (formerly Invitae), Labcorp); PubMed 20400964 (cited by Labcorp Genetics (formerly Invitae), Labcorp); PubMed 21990120 (cited by Labcorp Genetics (formerly Invitae), Labcorp); PubMed 24800917 (cited by Labcorp Genetics (formerly Invitae), Labcorp).